The following is an entry in ClinVar:

NM_001105206.3(LAMA4):c.2137A>G (p.Ser713Gly)

Gene: LAMA4 (laminin subunit alpha 4; minus strand). Cytogenetic location: 6q21.
Variant type: single nucleotide variant.
Coding change: c.2137A>G on transcript NM_001105206.3 (MANE Select); coding-DNA position 2137, A replaced by G.
Protein change: p.Ser713Gly; replaces serine 713 with glycine.
Molecular consequence: missense variant.
Genome position (GRCh38, 1-based): chr6:112,150,547, T>C on the plus strand (A>G on the coding strand, the complement: LAMA4 is on the minus strand). VCF-style: chr6-112150547-T-C. GRCh37 (hg19) VCF-style: chr6-112471749-T-C.
Other names: c.2116A>G, p.Ser706Gly (NM_001105207.3, NM_002290.5); short protein forms S706G, S713G.
Identifiers: ClinVar variation 1786175 (VCV001786175.2), dbSNP rs781929874, ClinGen allele CA3965580.

ClinVar aggregate classification (germline): Uncertain significance (1 of 4 stars; one submission).

Conditions:
Cardiovascular phenotype. Identifiers: MedGen CN230736.

Allele frequency attached by ClinVar (database versions not stated): gnomAD exomes below 0.00001; ExAC 0.00001; gnomAD 0.00001.
gnomAD v4.1: 3 of 1,613,616 alleles (0.00019%); highest among the groups gnomAD compares: Admixed American, 0.0033%; no homozygotes.

Submission:

Ambry Genetics
Classification: Uncertain significance for Cardiovascular phenotype. Last evaluated: 2022-01-17. Review status: criteria provided, single submitter. Criteria: Ambry Variant Classification Scheme 2023. Collection method: clinical testing. Allele origin: germline.
Comment: The p.S706G variant (also known as c.2116A>G), located in coding exon 16 of the LAMA4 gene, results from an A to G substitution at nucleotide position 2116. The serine at codon 706 is replaced by glycine, an amino acid with similar properties. This amino acid position is conserved. In addition, this alteration is predicted to be tolerated by in silico analysis. Since supporting evidence is limited at this time, the clinical significance of this alteration remains unclear.